The following is an entry in ClinVar:

ClinVar aggregate classification (germline): Uncertain significance (1 of 4 stars; one submission).

Conditions:
Cardiovascular phenotype. Identifiers: MedGen CN230736.

gnomAD v4.1: 1 of 1,614,196 alleles (0.000062%); highest among the groups gnomAD compares: Non-Finnish European, 0.000085%; no homozygotes.

Submission:

Ambry Genetics
Classification: Uncertain significance for Cardiovascular phenotype. Last evaluated: 2019-05-22. Review status: criteria provided, single submitter. Criteria: Ambry Variant Classification Scheme 2023. Collection method: clinical testing. Allele origin: germline.
Comment: The p.R61K variant (also known as c.182G>A), located in coding exon 2 of the TBX5 gene, results from a G to A substitution at nucleotide position 182. The arginine at codon 61 is replaced by lysine, an amino acid with highly similar properties. This amino acid position is well conserved in available vertebrate species; however, lysine is the reference amino acid in other vertebrate species. In addition, this alteration is predicted to be tolerated by in silico analysis. Since supporting evidence is limited at this time, the clinical significance of this alteration remains unclear.

NM_181486.4(TBX5):c.182G>A (p.Arg61Lys)

Gene: TBX5 (T-box transcription factor 5; minus strand). Cytogenetic location: 12q24.21.
Variant type: single nucleotide variant.
Coding change: c.182G>A on transcript NM_181486.4 (MANE Select); coding-DNA position 182, G replaced by A.
Protein change: p.Arg61Lys; replaces arginine 61 with lysine.
Molecular consequence: missense variant.
Genome position (GRCh38, 1-based): chr12:114,401,886, C>T on the plus strand (G>A on the coding strand, the complement: TBX5 is on the minus strand). VCF-style: chr12-114401886-C-T. GRCh37 (hg19) VCF-style: chr12-114839691-C-T.
Other names: c.182G>A, p.Arg61Lys (NM_000192.3); c.32G>A, p.Arg11Lys (NM_080717.4); short protein forms R11K, R61K.
Identifiers: ClinVar variation 1780923 (VCV001780923.2), dbSNP rs1386360765, ClinGen allele CA386863198.